The following is an entry in ClinVar:

ClinVar aggregate classification (germline): Uncertain significance (1 of 4 stars; one submission).

Conditions:
Baller-Gerold syndrome (BGS). Also called: CRANIOSYNOSTOSIS WITH RADIAL DEFECTS. Identifiers: Orphanet 1225, MedGen C0265308, MONDO:0009039, OMIM 218600.

Submission:

Labcorp Genetics (formerly Invitae), Labcorp
Classification: Uncertain significance for Baller-Gerold syndrome. Last evaluated: 2025-03-13. Review status: criteria provided, single submitter. Criteria: Invitae Variant Classification Sherloc (09022015). Collection method: clinical testing. Allele origin: germline.
Comment: This sequence change falls in intron 1 of the RECQL4 gene. It does not directly change the encoded amino acid sequence of the RECQL4 protein. It affects a nucleotide within the consensus splice site. This variant is not present in population databases (gnomAD no frequency). This variant has not been reported in the literature in individuals affected with RECQL4-related conditions. ClinVar contains an entry for this variant (Variation ID: 2859173). Variants that disrupt the consensus splice site are a relatively common cause of aberrant splicing (PMID: 17576681, 9536098). Algorithms developed to predict the effect of sequence changes on RNA splicing suggest that this variant may disrupt the consensus splice site. In summary, the available evidence is currently insufficient to determine the role of this variant in disease. Therefore, it has been classified as a Variant of Uncertain Significance.

Literature cited by the submitters: PubMed 17576681; PubMed 9536098.

NM_004260.4(RECQL4):c.84+5G>A

Genes: RECQL4 (RecQ like helicase 4; minus strand), LOC130001411 (ATAC-STARR-seq lymphoblastoid silent region 19699; plus strand). Cytogenetic location: 8q24.3.
Variant type: single nucleotide variant.
Coding change: c.84+5G>A on transcript NM_004260.4 (MANE Select); 5 bases into the intron after coding-DNA position 84, G replaced by A.
Molecular consequence: intron variant. On other transcripts: 5 prime UTR variant (14).
Genome position (GRCh38, 1-based): chr8:144,517,696, C>T on the plus strand (G>A on the coding strand, the complement: RECQL4 is on the minus strand). VCF-style: chr8-144517696-C-T. GRCh37 (hg19) VCF-style: chr8-145743080-C-T.
Other names: c.-697G>A (NM_001413021.1); c.-1048G>A (NM_001413022.1, NM_001413023.1, NM_001413037.1 and 2 more transcripts); c.-945G>A (NM_001413024.1); c.-773G>A (NM_001413028.1); c.-1110G>A (NM_001413030.1, NM_001413031.1, NM_001413041.1); c.-952G>A (NM_001413034.1); c.-953G>A (NM_001413040.1); c.-1317G>A (NM_001413043.1); and 4 more.
Identifiers: ClinVar variation 2859173 (VCV002859173.3), dbSNP rs1060501367, ClinGen allele CA2689129984.